The following is an entry in ClinVar:

NM_153033.5(KCTD7):c.763C>G (p.Gln255Glu)

Gene: KCTD7 (potassium channel tetramerization domain containing 7; plus strand). Cytogenetic location: 7q11.21.
Variant type: single nucleotide variant.
Coding change: c.763C>G on transcript NM_153033.5 (MANE Select); coding-DNA position 763, C replaced by G.
Protein change: p.Gln255Glu; replaces glutamine 255 with glutamic acid.
Molecular consequence: missense variant.
Genome position (GRCh38, 1-based): chr7:66,639,125, C>G. VCF-style: chr7-66639125-C-G. GRCh37 (hg19) VCF-style: chr7-66104112-C-G.
Other names: c.763C>G, p.Gln255Glu (NM_001167961.2); short protein forms Q255E.
Identifiers: ClinVar variation 1027804 (VCV001027804.3), dbSNP rs766720725, ClinGen allele CA4278326.

ClinVar aggregate classification (germline): Uncertain significance. Review status: criteria provided, multiple submitters, no conflicts (2 of 4 stars). 3 submissions from 3 submitters: Uncertain significance (3). Last evaluated 2025-12-16.

Conditions:
Inborn genetic diseases. Identifiers: MedGen C0950123, MeSH D030342.
Progressive myoclonic epilepsy type 3. Also called: EPILEPSY, PROGRESSIVE MYOCLONIC, 3, WITHOUT INTRACELLULAR INCLUSIONS; KCTD7-Related Progressive Myoclonic Epilepsy; EPILEPSY, PROGRESSIVE MYOCLONIC, 3, WITH OR WITHOUT INTRACELLULAR INCLUSIONS; CEROID LIPOFUSCINOSIS, NEURONAL, 14. Identifiers: Orphanet 263516, MedGen C2673257, MONDO:0012721, OMIM 611726.

Allele frequency attached by ClinVar (database versions not stated): TOPMed below 0.00001; ExAC 0.00001; gnomAD 0.00001.
gnomAD v4.1: 1 of 1,614,052 alleles (0.000062%); highest among the groups gnomAD compares: African/African-American, 0.0013%; no homozygotes.

Submissions (3):

Ambry Genetics
Classification: Uncertain significance for Inborn genetic diseases. Last evaluated: 2025-12-16. Review status: criteria provided, single submitter. Criteria: Ambry Variant Classification Scheme 2023. Collection method: clinical testing. Allele origin: germline.

Genomic Medicine Center of Excellence, King Faisal Specialist Hospital and Research Centre
Classification: Uncertain significance for Progressive myoclonic epilepsy type 3. Last evaluated: 2024-03-29. Review status: criteria provided, single submitter. Criteria: ACMG Guidelines, 2015. Collection method: clinical testing. Allele origin: germline.

Baylor Genetics
Classification: Uncertain significance for Progressive myoclonic epilepsy type 3. Last evaluated: 2019-11-15. Review status: criteria provided, single submitter. Criteria: ACMG Guidelines, 2015. Collection method: clinical testing. Allele origin: unknown. Affected: yes.
Comment: This variant was determined to be of uncertain significance according to ACMG Guidelines, 2015 [PMID:25741868].